The following is an entry in ClinVar:

ClinVar aggregate classification (germline): Benign. Review status: criteria provided, multiple submitters, no conflicts (2 of 4 stars). 3 submissions from 2 submitters: Benign (3). Last evaluated 2018-01-12.

Conditions:
Leber congenital amaurosis 11 (LCA11). Identifiers: Orphanet 65, MedGen C1840284, MONDO:0013454, OMIM 613837.
Retinitis pigmentosa (RP). Identifiers: Orphanet 791, MedGen C0035334, MeSH D012174, MONDO:0019200, OMIM 268000. Inheritance: Autosomal dominant, autosomal recessive and X linked inheritance.

Allele frequency attached by ClinVar (database versions not stated): gnomAD exomes 0.00118; 1000 Genomes Project 0.01418; gnomAD 0.01420 and 0.01538; TOPMed 0.01596; 1000 Genomes Project 30x 0.01733.

Submissions (3):

Illumina Laboratory Services, Illumina
Classification: Benign for Retinitis pigmentosa. Last evaluated: 2018-01-12. Review status: criteria provided, single submitter. Criteria: ICSL Variant Classification Criteria 13 December 2019. Collection method: clinical testing. Allele origin: germline.
Comment: This variant was observed in the ICSL laboratory as part of a predisposition screen in an ostensibly healthy population. It had not been previously curated by ICSL or reported in the Human Gene Mutation Database (HGMD: prior to June 1st, 2018), and was therefore a candidate for classification through an automated scoring system. Utilizing variant allele frequency, disease prevalence and penetrance estimates, and inheritance mode, an automated score was calculated to assess if this variant is too frequent to cause the disease. Based on the score and internal cut-off values, a variant classified as benign is not then subjected to further curation. The score for this variant resulted in a classification of benign for this disease.

Illumina Laboratory Services, Illumina
Classification: Benign for Leber congenital amaurosis 11. Last evaluated: 2018-01-12. Review status: criteria provided, single submitter. Criteria: ICSL Variant Classification Criteria 13 December 2019. Collection method: clinical testing. Allele origin: germline.
Comment: the same text as in the submission from Illumina Laboratory Services, Illumina above.

Breakthrough Genomics
Classification: Benign. Review status: criteria provided, single submitter. Criteria: ACMG Guidelines, 2015. Collection method: not provided. Allele origin: germline. Inheritance: Autosomal dominant inheritance. Affected: yes.

NM_000883.4(IMPDH1):c.-69T>G

Genes: IMPDH1 (inosine monophosphate dehydrogenase 1; minus strand), LOC129999258 (ATAC-STARR-seq lymphoblastoid silent region 18606; plus strand). Cytogenetic location: 7q32.1.
Variant type: single nucleotide variant.
Coding change: c.-69T>G on transcript NM_000883.4 (MANE Select); 69 bases upstream of the start codon, T replaced by G.
Molecular consequence: 5 prime UTR variant.
Genome position (GRCh38, 1-based): chr7:128,409,970, A>C on the plus strand (T>G on the coding strand, the complement: IMPDH1 is on the minus strand). VCF-style: chr7-128409970-A-C. GRCh37 (hg19) VCF-style: chr7-128050024-A-C.
Other names: c.-69T>G (NM_001102605.2, NM_001142576.2, NM_001304521.2 and 1 more transcripts).
Identifiers: ClinVar variation 358882 (VCV000358882.6), dbSNP rs72624936, ClinGen allele CA10623229.